The following is an entry in ClinVar:

NM_001298.3(CNGA3):c.535G>T (p.Val179Phe)

Gene: CNGA3 (cyclic nucleotide gated channel subunit alpha 3; plus strand). Cytogenetic location: 2q11.2.
Variant type: single nucleotide variant.
Coding change: c.535G>T on transcript NM_001298.3 (MANE Select); coding-DNA position 535, G replaced by T.
Protein change: p.Val179Phe; replaces valine 179 with phenylalanine.
Molecular consequence: missense variant.
Genome position (GRCh38, 1-based): chr2:98,389,743, G>T. VCF-style: chr2-98389743-G-T. GRCh37 (hg19) VCF-style: chr2-99006206-G-T.
Other names: c.481G>T, p.Val161Phe (NM_001079878.2); short protein forms V161F, V179F.
Identifiers: ClinVar variation 1379971 (VCV001379971.6), dbSNP rs2104229812, ClinGen allele CA347831584.

ClinVar aggregate classification (germline): Uncertain significance (1 of 4 stars; one submission).

Submission:

Labcorp Genetics (formerly Invitae), Labcorp
Classification: Uncertain significance. Last evaluated: 2021-09-06. Review status: criteria provided, single submitter. Criteria: Invitae Variant Classification Sherloc (09022015). Collection method: clinical testing. Allele origin: germline.
Comment: This variant has not been reported in the literature in individuals affected with CNGA3-related conditions. This variant is not present in population databases (ExAC no frequency). This sequence change replaces valine with phenylalanine at codon 179 of the CNGA3 protein (p.Val179Phe). The valine residue is highly conserved and there is a small physicochemical difference between valine and phenylalanine. Algorithms developed to predict the effect of missense changes on protein structure and function (SIFT, PolyPhen-2, Align-GVGD) all suggest that this variant is likely to be tolerated. In summary, the available evidence is currently insufficient to determine the role of this variant in disease. Therefore, it has been classified as a Variant of Uncertain Significance.